The following is an entry in ClinVar:

ClinVar aggregate classification (germline): Uncertain significance (1 of 4 stars; one submission).

Conditions:
Familial episodic pain syndrome with predominantly lower limb involvement. Also called: Episodic pain syndrome, familial, 3. Identifiers: Orphanet 391384, Orphanet 391392, MedGen C3809899, MONDO:0014247, OMIM 615552.
Hereditary sensory and autonomic neuropathy type 7. Also called: HSAN VII; Neuropathy, hereditary sensory and autonomic, type VII. Identifiers: Orphanet 391397, MedGen C3809882, MONDO:0014244, OMIM 615548.

Allele frequency attached by ClinVar (database versions not stated): TOPMed 0.00001.

Submission:

Labcorp Genetics (formerly Invitae), Labcorp
Classification: Uncertain significance for Familial episodic pain syndrome with predominantly lower limb involvement; Hereditary sensory and autonomic neuropathy type 7. Last evaluated: 2021-05-12. Review status: criteria provided, single submitter. Criteria: Invitae Variant Classification Sherloc (09022015). Collection method: clinical testing. Allele origin: germline.
Comment: In summary, the available evidence is currently insufficient to determine the role of this variant in disease. Therefore, it has been classified as a Variant of Uncertain Significance. Algorithms developed to predict the effect of missense changes on protein structure and function output the following: SIFT: "Tolerated"; PolyPhen-2: "Benign"; Align-GVGD: "Class C0". The methionine amino acid residue is found in multiple mammalian species, suggesting that this missense change does not adversely affect protein function. These predictions have not been confirmed by published functional studies and their clinical significance is uncertain. This variant has not been reported in the literature in individuals with SCN11A-related conditions. This variant is not present in population databases (ExAC no frequency). This sequence change replaces valine with methionine at codon 144 of the SCN11A protein (p.Val144Met). The valine residue is highly conserved and there is a small physicochemical difference between valine and methionine.

NM_001349253.2(SCN11A):c.430G>A (p.Val144Met)

Gene: SCN11A (sodium voltage-gated channel alpha subunit 11; minus strand). Cytogenetic location: 3p22.2.
Variant type: single nucleotide variant.
Coding change: c.430G>A on transcript NM_001349253.2 (MANE Select); coding-DNA position 430, G replaced by A.
Protein change: p.Val144Met; replaces valine 144 with methionine.
Molecular consequence: missense variant.
Genome position (GRCh38, 1-based): chr3:38,945,469, C>T on the plus strand (G>A on the coding strand, the complement: SCN11A is on the minus strand). VCF-style: chr3-38945469-C-T. GRCh37 (hg19) VCF-style: chr3-38986960-C-T.
Other names: c.430G>A, p.Val144Met (NM_014139.3); short protein forms V144M.
Identifiers: ClinVar variation 1490590 (VCV001490590.8), dbSNP rs763905978, ClinGen allele CA352175363.